The following is an entry in ClinVar:

ClinVar aggregate classification (germline): Conflicting classifications of pathogenicity. Review status: criteria provided, conflicting classifications (1 of 4 stars). 10 submissions from 10 submitters: Uncertain significance (9); Likely benign (1). Last evaluated 2026-03-12.

Conditions:
Classic or attenuated familial adenomatous polyposis. Identifiers: MedGen CN372698, MONDO:0021057.
Familial adenomatous polyposis 1 (FAP1). Also called: FAMILIAL ADENOMATOUS POLYPOSIS 1, ATTENUATED; POLYPOSIS, ADENOMATOUS INTESTINAL. Identifiers: MedGen C2713442, MONDO:0021056, OMIM 175100. Disease mechanism: loss of function.
Neoplasm of stomach. Also called: Neoplasm of the stomach; Gastric neoplasm; Stomach Neoplasms. Identifiers: MedGen C0038356, MONDO:0021085, HP:0006753. Disease mechanism: gain of function. Inheritance: Somatic mutation.
Desmoid disease, hereditary (DESMD). Also called: FIBROMATOSIS, FAMILIAL INFILTRATIVE. Identifiers: Orphanet 873, MedGen C1851124, OMIM 135290. Disease mechanism: loss of function.
Carcinoma of colon (CRC). Also called: Colon carcinoma; Colonic carcinoma. Identifiers: MedGen C0699790, MONDO:0002032.
Hepatocellular carcinoma (HCC). Also called: Primary carcinoma of liver; HEPATOMA; LIVER CELL CARCINOMA. Identifiers: Orphanet 88673, MedGen C2239176, MONDO:0007256, OMIM 114550, HP:0001402.
Hereditary cancer-predisposing syndrome. Also called: Hereditary neoplastic syndrome; Hereditary Cancer Syndrome; Tumor predisposition; Neoplastic Syndromes, Hereditary. Identifiers: Orphanet 140162, MedGen C0027672, MeSH D009386, MONDO:0015356.

Allele frequency attached by ClinVar (database versions not stated): gnomAD 0.00001.
gnomAD v4.1: 15 of 1,613,718 alleles (0.00093%); highest among the groups gnomAD compares: Admixed American, 0.012%; no homozygotes.

Submissions (10):

Women's Health and Genetics/Laboratory Corporation of America, LabCorp
Classification: Uncertain significance. Last evaluated: 2026-03-12. Review status: criteria provided, single submitter. Criteria: LabCorp Variant Classification Summary - May 2015. Collection method: clinical testing. Allele origin: germline.
Comment: Variant summary: APC c.6736G>A (p.Val2246Ile) results in a conservative amino acid change in the encoded protein sequence. Algorithms developed to predict the effect of missense changes on protein structure and function are either unavailable or do not agree on the potential impact of this missense change. The variant allele was found at a frequency of 2e-05 in 250862 control chromosomes. The available data on variant occurrences in the general population are insufficient to allow any conclusion about variant significance. To our knowledge, no occurrence of c.6736G>A in individuals affected with APC-related conditions and no experimental evidence demonstrating its impact on protein function have been reported. ClinVar contains an entry for this variant (Variation ID: 486735). Based on the evidence outlined above, the variant was classified as uncertain significance.

Labcorp Genetics (formerly Invitae), Labcorp
Classification: Uncertain significance for Familial adenomatous polyposis 1. Last evaluated: 2026-01-28. Review status: criteria provided, single submitter. Criteria: Invitae Variant Classification Sherloc (09022015). Collection method: clinical testing. Allele origin: germline.
Comment: This sequence change replaces valine, which is neutral and non-polar, with isoleucine, which is neutral and non-polar, at codon 2246 of the APC protein (p.Val2246Ile). This variant is present in population databases (no rsID available, gnomAD 0.009%). This variant has not been reported in the literature in individuals affected with APC-related conditions. ClinVar contains an entry for this variant (Variation ID: 486735). Invitae Evidence Modeling of protein sequence and biophysical properties (such as structural, functional, and spatial information, amino acid conservation, physicochemical variation, residue mobility, and thermodynamic stability) indicates that this missense variant is not expected to disrupt APC protein function with a negative predictive value of 95%. In summary, the available evidence is currently insufficient to determine the role of this variant in disease. Therefore, it has been classified as a Variant of Uncertain Significance.

All of Us Research Program, National Institutes of Health
Classification: Uncertain significance for Classic or attenuated familial adenomatous polyposis. Last evaluated: 2024-07-10. Review status: criteria provided, single submitter. Criteria: ACMG Guidelines, 2015. Collection method: clinical testing. Allele origin: germline. Inheritance: Autosomal dominant inheritance. Observed: 2 variant alleles, 2 heterozygotes.
Comment: This missense variant replaces valine with isoleucine at codon 2246 of the APC protein. Computational prediction suggests that this variant may not impact protein structure and function (internally defined REVEL score threshold <= 0.5, PMID: 27666373). To our knowledge, functional studies have not been reported for this variant. This variant has not been reported in individuals affected with APC-related disorders in the literature. This variant has been identified in 5/250862 chromosomes in the general population by the Genome Aggregation Database (gnomAD). The available evidence is insufficient to determine the role of this variant in disease conclusively. Therefore, this variant is classified as a Variant of Uncertain Significance.

This study involves interpretation of variants in research participants for the purpose of population health screening. Participant phenotype was not available at the time of variant classification. Additional details can be found in publication PMID: 35346344, PMCID: PMC8962531

Color Diagnostics, LLC DBA Color Health
Classification: Uncertain significance for Hereditary cancer-predisposing syndrome. Last evaluated: 2024-04-24. Review status: criteria provided, single submitter. Criteria: ACMG Guidelines, 2015. Collection method: clinical testing. Allele origin: germline.
Comment: This missense variant replaces valine with isoleucine at codon 2246 of the APC protein. Computational prediction suggests that this variant may not impact protein structure and function (internally defined REVEL score threshold <= 0.5, PMID: 27666373). To our knowledge, functional studies have not been reported for this variant. This variant has not been reported in individuals affected with APC-related disorders in the literature. This variant has been identified in 5/250862 chromosomes in the general population by the Genome Aggregation Database (gnomAD). The available evidence is insufficient to determine the role of this variant in disease conclusively. Therefore, this variant is classified as a Variant of Uncertain Significance.

Baylor Genetics
Classification: Uncertain significance for Familial adenomatous polyposis 1. Last evaluated: 2023-10-20. Review status: criteria provided, single submitter. Criteria: ACMG Guidelines, 2015. Collection method: clinical testing. Allele origin: unknown.

GeneDx
Classification: Uncertain significance. Last evaluated: 2023-08-23. Review status: criteria provided, single submitter. Criteria: GeneDx Variant Classification Process June 2021. Collection method: clinical testing. Allele origin: germline. Affected: yes.
Comment: Not observed at significant frequency in large population cohorts (gnomAD); In silico analysis supports that this missense variant does not alter protein structure/function; Observed in an individual with colorectal cancer (Ricker et al., 2017); This variant is associated with the following publications: (PMID: 28640387)

Ambry Genetics
Classification: Likely benign for Hereditary cancer-predisposing syndrome. Last evaluated: 2021-07-01. Review status: criteria provided, single submitter. Criteria: Ambry Variant Classification Scheme 2023. Collection method: clinical testing. Allele origin: germline.

Department of Pathology and Laboratory Medicine, Sinai Health System
Classification: Uncertain significance for classic or attenuated familial adenomatous polyposis. Last evaluated: 2021-04-26. Review status: criteria provided, single submitter. Criteria: ACMG Guidelines, 2015. Collection method: clinical testing. Allele origin: germline. Affected: yes.

Fulgent Genetics
Classification: Uncertain significance for Colorectal cancer; Hepatocellular carcinoma; Desmoid disease, hereditary; Familial adenomatous polyposis 1; Gastric cancer. Last evaluated: 2018-10-31. Review status: criteria provided, single submitter. Criteria: ACMG Guidelines, 2015. Collection method: clinical testing. Allele origin: unknown.

Mendelics
Classification: Uncertain significance for Familial adenomatous polyposis 1. Last evaluated: 2018-07-02. Review status: criteria provided, single submitter. Criteria: Mendelics Assertion Criteria 2017. Collection method: clinical testing. Allele origin: unknown.

NM_000038.6(APC):c.6736G>A (p.Val2246Ile)

Gene: APC (APC regulator of Wnt signaling pathway; plus strand). Cytogenetic location: 5q22.2.
Variant type: single nucleotide variant.
Coding change: c.6736G>A on transcript NM_000038.6 (MANE Select); coding-DNA position 6736, G replaced by A.
Protein change: p.Val2246Ile; replaces valine 2246 with isoleucine.
Molecular consequence: missense variant.
Genome position (GRCh38, 1-based): chr5:112,842,330, G>A. VCF-style: chr5-112842330-G-A. GRCh37 (hg19) VCF-style: chr5-112178027-G-A.
Other names: c.6736G>A, p.Val2246Ile (NM_001127510.3, NM_001354895.2); c.6682G>A, p.Val2228Ile (NM_001127511.3); c.6790G>A, p.Val2264Ile (NM_001354896.2); c.6766G>A, p.Val2256Ile (NM_001354897.2); c.6661G>A, p.Val2221Ile (NM_001354898.2); c.6652G>A, p.Val2218Ile (NM_001354899.2); c.6613G>A, p.Val2205Ile (NM_001354900.2); c.6559G>A, p.Val2187Ile (NM_001354901.2); and 5 more; short protein forms V2246I, V2228I, V2218I, V2256I, V2086I, V2120I, V2187I, V2264I.
Identifiers: ClinVar variation 486735 (VCV000486735.29), dbSNP rs1055180096, ClinGen allele CA16036051.